The following is an entry in ClinVar:

NM_000136.3(FANCC):c.1129_1130del (p.Glu377fs)

Genes: AOPEP (aminopeptidase O (putative); plus strand), FANCC (FA complementation group C; minus strand). Cytogenetic location: 9q22.32.
Variant type: Microsatellite.
Coding change: c.1129_1130del on transcript NM_000136.3 (MANE Select); coding-DNA positions 1129 to 1130, 2 bases deleted (GA; older notation c.1129_1130delGA).
Protein change: p.Glu377fs; shifts the reading frame from glutamic acid 377.
Molecular consequence: frameshift variant.
Genome position (GRCh38, 1-based): chr9:95,114,653-95,114,654, TC deleted on the plus strand (GA on the coding strand, the reverse complement: FANCC is on the minus strand); deleting any 2 consecutive bases within chr9:95,114,653-95,114,657 gives the same sequence; the c. name uses the placement nearest the transcript's 3' end. VCF-style (leftmost placement, unchanged base first): chr9-95114652-TTC-T. GRCh37 (hg19) VCF-style: chr9-97876934-TTC-T.
Other names: c.1129_1130del, p.Glu377fs (NM_001243743.2, NM_001243744.2); short protein forms E377fs.
Identifiers: ClinVar variation 4730726 (VCV004730726.1).

ClinVar aggregate classification (germline): Pathogenic (1 of 4 stars; one submission).

Conditions:
Fanconi anemia (FA). Also called: Fanconi's anemia. Identifiers: Orphanet 84, MedGen C0015625, MeSH D005199, MONDO:0019391.

Submission:

Labcorp Genetics (formerly Invitae), Labcorp
Classification: Pathogenic for Fanconi anemia. Last evaluated: 2025-11-08. Review status: criteria provided, single submitter. Criteria: Invitae Variant Classification Sherloc (09022015). Collection method: clinical testing. Allele origin: germline.
Comment: This sequence change creates a premature translational stop signal (p.Glu377Serfs*3) in the FANCC gene. It is expected to result in an absent or disrupted protein product. Loss-of-function variants in FANCC are known to be pathogenic (PMID: 17924555). This variant is not present in population databases (gnomAD no frequency). This variant has not been reported in the literature in individuals affected with FANCC-related conditions. For these reasons, this variant has been classified as Pathogenic.

Literature cited by the submitters: PubMed 17924555.